The following is an entry in ClinVar:

NM_001037131.3(AGAP1):c.982A>C (p.Lys328Gln)

Gene: AGAP1 (ArfGAP with GTPase domain, ankyrin repeat and PH domain 1; plus strand). Cytogenetic location: 2q37.2.
Variant type: single nucleotide variant.
Coding change: c.982A>C on transcript NM_001037131.3 (MANE Select); coding-DNA position 982, A replaced by C.
Protein change: p.Lys328Gln; replaces lysine 328 with glutamine.
Molecular consequence: missense variant.
Genome position (GRCh38, 1-based): chr2:235,807,263, A>C. VCF-style: chr2-235807263-A-C. GRCh37 (hg19) VCF-style: chr2-236715907-A-C.
Other names: c.982A>C, p.Lys328Gln (NM_001244888.2, NM_001412122.1, NM_014914.5); short protein forms K328Q.
Identifiers: ClinVar variation 2062988 (VCV002062988.4), dbSNP rs149772875, ClinGen allele CA2184653.
Genomic context (GRCh38, chr2:235,807,263, plus strand): 5'-CCTTACCCAGATGCCAACTTTCCTTTTGCTTTGCAGTCTCGGAAAGGGAGCGACCCAGAC[A>C]AAGAGAAGAAAGGCCTGGAGAGTCGTGCGGACAGCATTGGGAGCGGCCGAGCCATCCCAA-3'
Protein context (NP_001032208.1, residues 318-338): FTSRKGSDPD[Lys328Gln]EKKGLESRAD

ClinVar aggregate classification (germline): Uncertain significance (1 of 4 stars; one submission).

Allele frequency attached by ClinVar (database versions not stated): 1000 Genomes Project 30x 0.00016; 1000 Genomes Project 0.00020; gnomAD 0.00067; ESP Exome Variant Server 0.00069; TOPMed 0.00082; ExAC 0.00105; gnomAD exomes 0.00130.
gnomAD v4.1: 2,001 of 1,609,504 alleles (0.12%); highest among the groups gnomAD compares: South Asian, 0.16%; 4 homozygotes.

Submission:

Labcorp Genetics (formerly Invitae), Labcorp
Classification: Uncertain significance. Last evaluated: 2026-01-17. Review status: criteria provided, single submitter. Criteria: Invitae Variant Classification Sherloc (09022015). Collection method: clinical testing. Allele origin: germline.
Comment: This sequence change replaces lysine, which is basic and polar, with glutamine, which is neutral and polar, at codon 328 of the AGAP1 protein (p.Lys328Gln). This variant is present in population databases (rs149772875, gnomAD 0.1%), and has an allele count higher than expected for a pathogenic variant. This variant has not been reported in the literature in individuals affected with AGAP1-related conditions. ClinVar contains an entry for this variant (Variation ID: 2062988). An algorithm developed to predict the effect of missense changes on protein structure and function (PolyPhen-2) suggests that this variant is likely to be tolerated. In summary, the available evidence is currently insufficient to determine the role of this variant in disease. Therefore, it has been classified as a Variant of Uncertain Significance.